The following is an entry in ClinVar:

NM_002448.3(MSX1):c.*6C>T

Gene: MSX1 (msh homeobox 1; plus strand). Cytogenetic location: 4p16.2.
Variant type: single nucleotide variant.
Coding change: c.*6C>T on transcript NM_002448.3 (MANE Select); 6 bases downstream of the stop codon, C replaced by T.
Molecular consequence: 3 prime UTR variant.
Genome position (GRCh38, 1-based): chr4:4,863,149, C>T. VCF-style: chr4-4863149-C-T. GRCh37 (hg19) VCF-style: chr4-4864876-C-T.
Identifiers: ClinVar variation 1165757 (VCV001165757.11), dbSNP rs8670, ClinGen allele CA2833148.
Genomic context (GRCh38, chr4:4,863,149, plus strand): 5'-GCCCGTGGGACTCTACACGGCCCATGTGGGCTACAGCATGTACCACCTGACATAGAGGGT[C>T]CCAGGTCGCCCACCTGTGGGCCAGCCGATTCCTCCAGCCCTGGTGCTGTACCCCCGACGT-3'

ClinVar aggregate classification (germline): Benign. Review status: criteria provided, multiple submitters, no conflicts (2 of 4 stars). 4 submissions from 4 submitters: Benign (4). Last evaluated 2026-01-26.

Conditions:
Hypoplastic enamel-onycholysis-hypohidrosis syndrome (TNS). Also called: ECTODERMAL DYSPLASIA 3, TOOTH/NAIL TYPE; Tooth-and-Nail Syndrome; ECTODERMAL DYSPLASIA 3, WITKOP TYPE; NAIL DYSPLASIA WITH HYPODONTIA; WITKOP SYNDROME. Identifiers: Orphanet 2228, MedGen C0406735, MONDO:0008582, OMIM 189500.

Allele frequency attached by ClinVar (database versions not stated): 1000 Genomes Project 0.18970; 1000 Genomes Project 30x 0.19238; ESP Exome Variant Server 0.20349; gnomAD exomes 0.22047; TOPMed 0.22050; gnomAD 0.22637 and 0.22915; ExAC 0.28423.
gnomAD v4.1: 354,445 of 1,590,300 alleles (22%); highest among the groups gnomAD compares: Middle Eastern, 28%; 41,187 homozygotes.

Submissions (4):

Labcorp Genetics (formerly Invitae), Labcorp
Classification: Benign for Hypoplastic enamel-onycholysis-hypohidrosis syndrome. Last evaluated: 2026-01-26. Review status: criteria provided, single submitter. Criteria: Invitae Variant Classification Sherloc (09022015). Collection method: clinical testing. Allele origin: germline.

Blueprint Genetics
Classification: Benign. Last evaluated: 2024-11-26. Review status: criteria provided, single submitter. Criteria: ACMG Guidelines, 2015. Collection method: clinical testing. Allele origin: germline.

GeneDx
Classification: Benign. Last evaluated: 2018-11-12. Review status: criteria provided, single submitter. Criteria: GeneDx Variant Classification Process June 2021. Collection method: clinical testing. Allele origin: germline. Affected: yes.
Comment: This variant is associated with the following publications: (PMID: 22591773, 24031111, 16723652, 27228008, 28204848)

Breakthrough Genomics
Classification: Benign. Review status: criteria provided, single submitter. Criteria: ACMG Guidelines, 2015. Collection method: not provided. Allele origin: germline. Inheritance: Autosomal dominant inheritance. Affected: yes.